The following is an entry in ClinVar:

ClinVar aggregate classification (germline): Pathogenic. Review status: criteria provided, multiple submitters, no conflicts (2 of 4 stars). 3 submissions from 3 submitters: Pathogenic (3). Last evaluated 2026-01-08.

Conditions:
Lynch syndrome 5 (LYNCH5). Also called: Colorectal cancer, hereditary nonpolyposis, type 5; Hereditary non-polyposis colorectal cancer, type 5. Identifiers: Orphanet 144, MedGen C1833477, MONDO:0013710, OMIM 614350. Disease mechanism: loss of function.
Hereditary cancer-predisposing syndrome. Also called: Hereditary Cancer Syndrome; Neoplastic Syndromes, Hereditary; Tumor predisposition; Hereditary neoplastic syndrome. Identifiers: Orphanet 140162, MedGen C0027672, MeSH D009386, MONDO:0015356.
Hereditary nonpolyposis colorectal neoplasms. Identifiers: MedGen C0009405, MeSH D003123.

Submissions (3):

Ambry Genetics
Classification: Pathogenic for Hereditary cancer-predisposing syndrome. Last evaluated: 2026-01-08. Review status: criteria provided, single submitter. Criteria: Ambry Variant Classification Scheme 2023. Collection method: clinical testing. Allele origin: germline.
Comment: The c.717dupG pathogenic mutation, located in coding exon 4 of the MSH6 gene, results from a duplication of G at nucleotide position 717, causing a translational frameshift with a predicted alternate stop codon (p.R240Afs*3). This variant is considered to be rare based on population cohorts in the Genome Aggregation Database (gnomAD). This alteration is expected to result in loss of function by premature protein truncation or nonsense-mediated mRNA decay. As such, this alteration is interpreted as a disease-causing mutation.

Labcorp Genetics (formerly Invitae), Labcorp
Classification: Pathogenic for Hereditary nonpolyposis colorectal neoplasms. Last evaluated: 2024-02-03. Review status: criteria provided, single submitter. Criteria: Invitae Variant Classification Sherloc (09022015). Collection method: clinical testing. Allele origin: germline.
Comment: This sequence change creates a premature translational stop signal (p.Arg240Alafs*3) in the MSH6 gene. It is expected to result in an absent or disrupted protein product. Loss-of-function variants in MSH6 are known to be pathogenic (PMID: 18269114, 24362816). This variant is not present in population databases (gnomAD no frequency). This variant has not been reported in the literature in individuals affected with MSH6-related conditions. ClinVar contains an entry for this variant (Variation ID: 1070676). For these reasons, this variant has been classified as Pathogenic.

Myriad Genetics, Inc.
Classification: Pathogenic for Lynch syndrome 5. Last evaluated: 2024-01-17. Review status: criteria provided, single submitter. Criteria: Myriad Autosomal Dominant, Autosomal Recessive and X-Linked Classification Criteria (2023). Collection method: clinical testing. Allele origin: unknown.
Comment: This variant is considered pathogenic. This variant creates a frameshift predicted to result in premature protein truncation.

Literature cited by the submitters: PubMed 18269114 (cited by Labcorp Genetics (formerly Invitae), Labcorp); PubMed 24362816 (cited by Labcorp Genetics (formerly Invitae), Labcorp).

NM_000179.3(MSH6):c.717dup (p.Arg240fs)

Gene: MSH6 (mutS homolog 6; plus strand). Cytogenetic location: 2p16.3.
Variant type: Duplication.
Coding change: c.717dup on transcript NM_000179.3 (MANE Select); coding-DNA position 717, one base duplicated (G; older notation c.717dupG).
Protein change: p.Arg240fs; shifts the reading frame from arginine 240.
Molecular consequence: frameshift variant. On other transcripts: 5 prime UTR variant (2).
Genome position (GRCh38, 1-based): chr2:47,798,700, G duplicated; the last of 2 consecutive G bases (chr2:47,798,699-47,798,700); duplicating either gives the same sequence. VCF-style (leftmost placement, unchanged base first): chr2-47798698-A-AG. GRCh37 (hg19) VCF-style: chr2-48025837-A-AG.
Other names: c.327dup, p.Arg110fs (NM_001281492.2); c.-190dup (NM_001281493.2, NM_001281494.2); c.717dupG (NM_000179.2); short protein forms R110fs, R240fs.
Identifiers: ClinVar variation 1070676 (VCV001070676.11), dbSNP rs2104293218, ClinGen allele CA2499216096.